The following is an entry in ClinVar:

ClinVar aggregate classification (germline): Uncertain significance (1 of 4 stars; one submission).

Submission:

Labcorp Genetics (formerly Invitae), Labcorp
Classification: Uncertain significance. Last evaluated: 2025-07-13. Review status: criteria provided, single submitter. Criteria: Invitae Variant Classification Sherloc (09022015). Collection method: clinical testing. Allele origin: germline.
Comment: This sequence change replaces alanine, which is neutral and non-polar, with glycine, which is neutral and non-polar, at codon 11 of the PAX1 protein (p.Ala11Gly). This variant is not present in population databases (gnomAD no frequency). This variant has not been reported in the literature in individuals affected with PAX1-related conditions. ClinVar contains an entry for this variant (Variation ID: 1466106). An algorithm developed to predict the effect of missense changes on protein structure and function (PolyPhen-2) suggests that this variant is likely to be tolerated. In summary, the available evidence is currently insufficient to determine the role of this variant in disease. Therefore, it has been classified as a Variant of Uncertain Significance.

NM_001257096.2(PAX1):c.32C>G (p.Ala11Gly)

Gene: PAX1 (paired box 1; plus strand). Cytogenetic location: 20p11.22.
Variant type: single nucleotide variant.
Coding change: c.32C>G on transcript NM_001257096.2 (MANE Select); coding-DNA position 32, C replaced by G.
Protein change: p.Ala11Gly; replaces alanine 11 with glycine.
Molecular consequence: missense variant.
Genome position (GRCh38, 1-based): chr20:21,705,744, C>G. VCF-style: chr20-21705744-C-G. GRCh37 (hg19) VCF-style: chr20-21686382-C-G.
Other names: c.32C>G, p.Ala11Gly (NM_006192.5); short protein forms A11G.
Identifiers: ClinVar variation 1466106 (VCV001466106.8), dbSNP rs187767883, ClinGen allele CA408496724.